The following is an entry in ClinVar:

NM_000548.5(TSC2):c.5068+10G>T

Gene: TSC2 (TSC complex subunit 2; plus strand). Cytogenetic location: 16p13.3.
Variant type: single nucleotide variant.
Coding change: c.5068+10G>T on transcript NM_000548.5 (MANE Select); 10 bases into the intron after coding-DNA position 5068, G replaced by T.
Molecular consequence: intron variant.
Genome position (GRCh38, 1-based): chr16:2,087,951, G>T. VCF-style: chr16-2087951-G-T. GRCh37 (hg19) VCF-style: chr16-2137952-G-T.
Other names: c.3526+10G>T (NM_001406693.1, NM_001406692.1, NM_001406694.1); c.4960+10G>T (NM_001406667.1); c.4957+10G>T (NM_001406668.1); c.4468+10G>T (NM_001406680.1); c.4399+10G>T (NM_001406683.1, NM_001406682.1); c.4267+10G>T (NM_001406687.1, NM_001406688.1); c.3655+10G>T (NM_001406689.1); c.3595+10G>T (NM_001406690.1); and 26 more.
Identifiers: ClinVar variation 4071103 (VCV004071103.2).

ClinVar aggregate classification (germline): Likely benign. Review status: criteria provided, multiple submitters, no conflicts (2 of 4 stars). 2 submissions from 2 submitters: Likely benign (2). Last evaluated 2025-06-05.

Conditions:
Tuberous sclerosis 2 (TSC2). Identifiers: Orphanet 805, MedGen C1860707, MONDO:0013199, OMIM 613254.

gnomAD v4.1: 1 of 1,605,004 alleles (0.000062%); highest among the groups gnomAD compares: African/African-American, 0.0013%; no homozygotes.

Submissions (2):

Myriad Genetics, Inc.
Classification: Likely benign for Tuberous sclerosis 2. Last evaluated: 2025-06-05. Review status: criteria provided, single submitter. Criteria: Myriad Autosomal Dominant, Autosomal Recessive and X-Linked Classification Criteria (2023). Collection method: clinical testing. Allele origin: unknown.
Comment: This variant is considered likely benign. This variant is intronic and is not expected to impact mRNA splicing.

Labcorp Genetics (formerly Invitae), Labcorp
Classification: Likely benign for Tuberous sclerosis 2. Last evaluated: 2025-05-01. Review status: criteria provided, single submitter. Criteria: Invitae Variant Classification Sherloc (09022015). Collection method: clinical testing. Allele origin: germline.